The following is an entry in ClinVar:

NM_001040108.2(MLH3):c.2861A>G (p.His954Arg)

Gene: MLH3 (mutL homolog 3; minus strand). Cytogenetic location: 14q24.3.
Variant type: single nucleotide variant.
Coding change: c.2861A>G on transcript NM_001040108.2 (MANE Select); coding-DNA position 2861, A replaced by G.
Protein change: p.His954Arg; replaces histidine 954 with arginine.
Molecular consequence: missense variant.
Genome position (GRCh38, 1-based): chr14:75,046,795, T>C on the plus strand (A>G on the coding strand, the complement: MLH3 is on the minus strand). VCF-style: chr14-75046795-T-C. GRCh37 (hg19) VCF-style: chr14-75513498-T-C.
Other names: c.2861A>G, p.His954Arg (NM_014381.3); short protein forms H954R.
Identifiers: ClinVar variation 2561658 (VCV002561658.2), dbSNP rs767701761, ClinGen allele CA7275627.

ClinVar aggregate classification (germline): Uncertain significance (1 of 4 stars; one submission).

Allele frequency attached by ClinVar (database versions not stated): gnomAD 0.00001; gnomAD exomes 0.00001; ExAC 0.00002.

Submission:

Ambry Genetics
Classification: Uncertain significance. Last evaluated: 2023-03-24. Review status: criteria provided, single submitter. Criteria: Ambry Variant Classification Scheme 2023. Collection method: clinical testing. Allele origin: germline.
Comment: The p.H954R variant (also known as c.2861A>G), located in coding exon 1 of the MLH3 gene, results from an A to G substitution at nucleotide position 2861. The histidine at codon 954 is replaced by arginine, an amino acid with highly similar properties. This amino acid position is conserved. In addition, this alteration is predicted to be tolerated by in silico analysis. Since supporting evidence is limited at this time, the clinical significance of this alteration remains unclear.